The following is an entry in ClinVar:

NM_001267550.2(TTN):c.83171_83172del (p.Val27724fs)

Genes: TTN-AS1 (TTN antisense RNA 1; plus strand), TTN (titin; minus strand). Cytogenetic location: 2q31.2.
Variant type: Deletion.
Coding change: c.83171_83172del on transcript NM_001267550.2 (MANE Select); coding-DNA positions 83171 to 83172, 2 bases deleted (TG; older notation c.83171_83172delTG).
Protein change: p.Val27724fs; shifts the reading frame from valine 27724.
Molecular consequence: frameshift variant.
Genome position (GRCh38, 1-based): chr2:178,562,960-178,562,961, CA deleted on the plus strand (TG on the coding strand, the reverse complement: TTN is on the minus strand); deleting any 2 consecutive bases within chr2:178,562,960-178,562,962 gives the same sequence; the c. name uses the placement nearest the transcript's 3' end. VCF-style (leftmost placement, unchanged base first): chr2-178562959-TCA-T. GRCh37 (hg19) VCF-style: chr2-179427686-TCA-T.
Other names: c.55976_55977delTG (NM_003319.4); c.78248_78249del, p.Val26083fs (NM_001256850.1); c.55976_55977del, p.Val18659fs (NM_003319.4); c.75467_75468del, p.Val25156fs (NM_133378.4); c.56351_56352del, p.Val18784fs (NM_133432.3); c.56552_56553del, p.Val18851fs (NM_133437.4); short protein forms V18659fs, V18784fs, V18851fs, V25156fs, V26083fs, V27724fs.
Identifiers: ClinVar variation 3750828 (VCV003750828.3).
Genomic context (GRCh38, chr2:178,562,959, plus strand): 5'-TATACCGACCACTGTCAAATCTGGTAACATTATCAATCACCAACATTGTAAATGAGCTGG[TCA>T]CCTCTATCTGAGCCCTGTCAGTGAGAATGCCTTCTGCCTTTTCCCATTTAACTTCGGGTT-3'

ClinVar aggregate classification (germline): Likely pathogenic. Review status: criteria provided, multiple submitters, no conflicts (2 of 4 stars). 2 submissions from 2 submitters: Likely pathogenic (2). Last evaluated 2025-10-02.

Conditions:
Cardiovascular phenotype. Identifiers: MedGen CN230736.
Autosomal recessive limb-girdle muscular dystrophy type 2J (LGMDR10). Also called: Limb-girdle muscular dystrophy, type 2J; MUSCULAR DYSTROPHY, LIMB-GIRDLE, AUTOSOMAL RECESSIVE 10. Identifiers: Orphanet 140922, MedGen C1837342, MONDO:0012127, OMIM 608807.
Dilated cardiomyopathy 1G (CMD1G). Identifiers: Orphanet 154, MedGen C1858763, MONDO:0011400, OMIM 604145.

Submissions (2):

Ambry Genetics
Classification: Likely pathogenic for Cardiovascular phenotype. Last evaluated: 2025-10-02. Review status: criteria provided, single submitter. Criteria: Ambry Variant Classification Scheme 2023. Collection method: clinical testing. Allele origin: germline.
Comment: The c.55976_55977delTG variant, located in coding exon 153 of the TTN gene, results from a deletion of two nucleotides at nucleotide positions 55976 to 55977, causing a translational frameshift with a predicted alternate stop codon (p.V18659Dfs*10). This exon is located in the A-band region of the N2-B isoform of the titin protein and is constitutively expressed in TTN transcripts (percent spliced in or PSI 100%). This variant is considered to be rare based on population cohorts in the Genome Aggregation Database (gnomAD). This variant is expected to result in loss of function by premature protein truncation or nonsense-mediated mRNA decay. While truncating variants in TTN are present in 1-3% of the general population, truncating variants in the A-band are the most common cause of dilated cardiomyopathy (Herman DS et al. N. Engl. J. Med., 2012 Feb;366:619-28; Roberts AM et al. Sci Transl Med, 2015 Jan;7:270ra6). TTN truncating variants encoded in constitutive exons (PSI >90%) have been found to be significantly associated with DCM regardless of their position in titin (Schafer S et al. Nat. Genet., 2017 01;49:46-53; Akhtar MM et al. Circ Heart Fail, 2020 Oct;13:e006832; Massier M et al. Clin Genet, 2025 Jan). Based on the majority of available evidence to date, this variant is likely to be pathogenic.

Labcorp Genetics (formerly Invitae), Labcorp
Classification: Likely pathogenic for Dilated cardiomyopathy 1G; Autosomal recessive limb-girdle muscular dystrophy type 2J. Last evaluated: 2025-05-13. Review status: criteria provided, single submitter. Criteria: Invitae Variant Classification Sherloc (09022015). Collection method: clinical testing. Allele origin: germline.
Comment: This sequence change creates a premature translational stop signal (p.Val27724Aspfs*10) in the TTN gene. While this is not anticipated to result in nonsense mediated decay, it is expected to create a truncated TTN protein. This variant is not present in population databases (gnomAD no frequency). This variant has not been reported in the literature in individuals affected with TTN-related conditions. ClinVar contains an entry for this variant (Variation ID: 3750828). This variant is located in the A band of TTN (PMID: 25589632). Truncating variants in this region are significantly overrepresented in patients affected with dilated cardiomyopathy (PMID: 25589632). Truncating variants in this region have also been reported in individuals affected with autosomal recessive centronuclear myopathy (PMID: 23975875). In summary, the currently available evidence indicates that the variant is pathogenic, but additional data are needed to prove that conclusively. Therefore, this variant has been classified as Likely Pathogenic.

Literature cited by the submitters: PubMed 25589632 (cited by Labcorp Genetics (formerly Invitae), Labcorp); PubMed 23975875 (cited by Labcorp Genetics (formerly Invitae), Labcorp).